The following is an entry in ClinVar:

ClinVar aggregate classification (germline): Uncertain significance. Review status: criteria provided, multiple submitters, no conflicts (2 of 4 stars). 2 submissions from 2 submitters: Uncertain significance (2). Last evaluated 2025-09-24.

Conditions:
Hereditary cancer-predisposing syndrome. Also called: Hereditary neoplastic syndrome; Neoplastic Syndromes, Hereditary; Hereditary Cancer Syndrome; Tumor predisposition. Identifiers: Orphanet 140162, MedGen C0027672, MeSH D009386, MONDO:0015356.
Bloom syndrome (BLM). Also called: Bloom-Torre-Machacek syndrome. Identifiers: Orphanet 125, MedGen C0005859, MONDO:0008876, OMIM 210900.

Allele frequency attached by ClinVar (database versions not stated): gnomAD exomes 0.00001.
gnomAD v4.1: 7 of 1,613,978 alleles (0.00043%); highest among the groups gnomAD compares: Non-Finnish European, 0.00059%; no homozygotes.

Submissions (2):

Labcorp Genetics (formerly Invitae), Labcorp
Classification: Uncertain significance for Bloom syndrome. Last evaluated: 2025-09-24. Review status: criteria provided, single submitter. Criteria: Invitae Variant Classification Sherloc (09022015). Collection method: clinical testing. Allele origin: germline.
Comment: This sequence change replaces glutamine, which is neutral and polar, with histidine, which is basic and polar, at codon 844 of the BLM protein (p.Gln844His). This variant is not present in population databases (gnomAD no frequency). This variant has not been reported in the literature in individuals affected with BLM-related conditions. ClinVar contains an entry for this variant (Variation ID: 659423). Invitae Evidence Modeling of protein sequence and biophysical properties (such as structural, functional, and spatial information, amino acid conservation, physicochemical variation, residue mobility, and thermodynamic stability) indicates that this missense variant is expected to disrupt BLM protein function with a positive predictive value of 80%. In summary, the available evidence is currently insufficient to determine the role of this variant in disease. Therefore, it has been classified as a Variant of Uncertain Significance.

Ambry Genetics
Classification: Uncertain significance for Hereditary cancer-predisposing syndrome. Last evaluated: 2024-10-11. Review status: criteria provided, single submitter. Criteria: Ambry Variant Classification Scheme 2023. Collection method: clinical testing. Allele origin: germline.
Comment: The p.Q844H variant (also known as c.2532G>T), located in coding exon 11 of the BLM gene, results from a G to T substitution at nucleotide position 2532. The glutamine at codon 844 is replaced by histidine, an amino acid with highly similar properties. This amino acid position is conserved. In addition, this alteration is predicted to be tolerated by in silico analysis. Since supporting evidence is limited at this time, the clinical significance of this alteration remains unclear.

NM_000057.4(BLM):c.2532G>T (p.Gln844His)

Gene: BLM (BLM RecQ like helicase; plus strand). Cytogenetic location: 15q26.1.
Variant type: single nucleotide variant.
Coding change: c.2532G>T on transcript NM_000057.4 (MANE Select); coding-DNA position 2532, G replaced by T.
Protein change: p.Gln844His; replaces glutamine 844 with histidine.
Molecular consequence: missense variant.
Genome position (GRCh38, 1-based): chr15:90,769,563, G>T. VCF-style: chr15-90769563-G-T. GRCh37 (hg19) VCF-style: chr15-91312793-G-T.
Other names: c.2532G>T, p.Gln844His (NM_001287246.2, NM_001287247.2); c.1407G>T, p.Gln469His (NM_001287248.2); short protein forms Q469H, Q844H.
Identifiers: ClinVar variation 659423 (VCV000659423.12), dbSNP rs1596238939, ClinGen allele CA393845518.